The following is an entry in ClinVar:

NM_002471.4(MYH6):c.2430-14C>T

Gene: MYH6 (myosin heavy chain 6; minus strand). Cytogenetic location: 14q11.2.
Variant type: single nucleotide variant.
Coding change: c.2430-14C>T on transcript NM_002471.4 (MANE Select); 14 bases into the intron before coding-DNA position 2430, C replaced by T.
Molecular consequence: intron variant.
Genome position (GRCh38, 1-based): chr14:23,394,337, G>A on the plus strand (C>T on the coding strand, the complement: MYH6 is on the minus strand). VCF-style: chr14-23394337-G-A. GRCh37 (hg19) VCF-style: chr14-23863546-G-A.
Identifiers: ClinVar variation 178070 (VCV000178070.21), dbSNP rs190342289, ClinGen allele CA181329.

ClinVar aggregate classification (germline): Benign/Likely benign. Review status: criteria provided, multiple submitters, no conflicts (2 of 4 stars). 9 submissions from 9 submitters: Benign (2); Likely benign (3). 4 of the submissions do not count toward it. Last evaluated 2026-01-27.

Conditions:
MYH6-related disorder. Also called: MYH6-related condition; MYH6-Related Disorders.
Hypertrophic cardiomyopathy 14. Identifiers: MedGen C2750467, MONDO:0013197, OMIM 613251.

Allele frequency attached by ClinVar (database versions not stated): TOPMed 0.00120; ESP Exome Variant Server 0.00123; 1000 Genomes Project 30x 0.00031; gnomAD exomes 0.00034 and 0.00055; 1000 Genomes Project 0.00040; ExAC 0.00067; gnomAD 0.00108.
gnomAD v4.1: 685 of 1,614,126 alleles (0.042%); highest among the groups gnomAD compares: African/African-American, 0.3%; 5 homozygotes.

Submissions (9):

Labcorp Genetics (formerly Invitae), Labcorp
Classification: Benign for Hypertrophic cardiomyopathy 14. Last evaluated: 2026-01-27. Review status: criteria provided, single submitter. Criteria: Invitae Variant Classification Sherloc (09022015). Collection method: clinical testing. Allele origin: germline.

Women's Health and Genetics/Laboratory Corporation of America, LabCorp
Classification: Benign. Last evaluated: 2025-04-29. Review status: criteria provided, single submitter. Criteria: LabCorp Variant Classification Summary - May 2015. Collection method: clinical testing. Allele origin: germline.

Blueprint Genetics
Classification: Likely benign. Last evaluated: 2024-10-08. Review status: criteria provided, single submitter. Criteria: ACMG Guidelines, 2015. Collection method: clinical testing. Allele origin: germline.

GeneDx
Classification: Likely benign. Last evaluated: 2017-05-01. Review status: criteria provided, single submitter. Criteria: GeneDx Variant Classification (06012015). Collection method: clinical testing. Allele origin: germline. Affected: yes.
Comment: This variant is considered likely benign or benign based on one or more of the following criteria: it is a conservative change, it occurs at a poorly conserved position in the protein, it is predicted to be benign by multiple in silico algorithms, and/or has population frequency not consistent with disease.

Laboratory for Molecular Medicine, Mass General Brigham Personalized Medicine
Classification: Likely benign. Last evaluated: 2014-06-30. Review status: criteria provided, single submitter. Criteria: LMM Criteria. Collection method: clinical testing. Allele origin: germline. Observed: 3 variant alleles.
Comment: c.2430-14C>T in intron 20 of MYH6: This variant is not expected to have clinical significance because a C>T change at this position does not diverge from the sp lice consensus sequence and is therefore unlikely to impact splicing. It has bee n identified in 0.2% (11/4406) of African American chromosomes by the NHLBI Exom e Sequencing Project (dbSNP rs190342289).

PreventionGenetics, part of Exact Sciences
Classification: Likely benign for MYH6-related condition. Last evaluated: 2021-03-19. Review status: no assertion criteria provided. Collection method: clinical testing. Allele origin: germline. Not counted in ClinVar's aggregate classification.
Comment: This variant is classified as likely benign based on ACMG/AMP sequence variant interpretation guidelines (Richards et al. 2015 PMID: 25741868, with internal and published modifications).

Clinical Genetics, Academic Medical Center
Classification: Benign. Review status: no assertion criteria provided. Collection method: clinical testing. Allele origin: germline. Affected: yes. Study: VKGL Data-share Consensus. Not counted in ClinVar's aggregate classification.

Genome Diagnostics Laboratory, University Medical Center Utrecht
Classification: Benign. Review status: no assertion criteria provided. Collection method: clinical testing. Allele origin: germline. Affected: yes. Study: VKGL Data-share Consensus. Not counted in ClinVar's aggregate classification.

Joint Genome Diagnostic Labs from Nijmegen and Maastricht, Radboudumc and MUMC+
Classification: Likely benign. Review status: no assertion criteria provided. Collection method: clinical testing. Allele origin: germline. Affected: yes. Study: VKGL Data-share Consensus. Not counted in ClinVar's aggregate classification.